The following is an entry in ClinVar:

ClinVar aggregate classification (germline): Uncertain significance (1 of 4 stars; one submission).

Conditions:
Autosomal recessive limb-girdle muscular dystrophy. Identifiers: Orphanet 102015, MedGen C2931907, MONDO:0015152.

Submission:

Myriad Genetics, Inc.
Classification: Uncertain significance for Autosomal recessive limb-girdle muscular dystrophy. Last evaluated: 2026-03-11. Review status: criteria provided, single submitter. Criteria: Myriad Autosomal Dominant, Autosomal Recessive and X-Linked Classification Criteria (2023). Collection method: clinical testing. Allele origin: unknown.
Comment: NM_003494.3(DYSF):c.3399_3404dup6(L1133_S1134dup) is an in-frame insertion classified as a variant of uncertain significance in the context of dysferlinopathy. L1133_S1134dup has not been observed in cases with relevant disease. Relevant functional assessments of this variant are not available in the literature. L1133_S1134dup has been observed in referenced population frequency databases. In summary, there is insufficient evidence to classify NM_003494.3(DYSF):c.3399_3404dup6(L1133_S1134dup) as pathogenic or benign. Please note: this variant was assessed in the context of healthy population screening.

NM_001130987.2(DYSF):c.3453_3458dup (p.Ser1152_Phe1153insLeuSer)

Gene: DYSF (dysferlin; plus strand). Cytogenetic location: 2p13.2.
Variant type: Duplication.
Coding change: c.3453_3458dup on transcript NM_001130987.2 (MANE Select); coding-DNA positions 3453 to 3458, 6 bases duplicated (GAGCTT; older notation c.3453_3458dupGAGCTT).
Protein change: p.Ser1152_Phe1153insLeuSer.
Molecular consequence: inframe insertion.
Genome position (GRCh38, 1-based): chr2:71,589,643-71,589,648, GAGCTT duplicated; duplicating any 6 consecutive bases within chr2:71,589,640-71,589,648 gives the same sequence; the c. name uses the placement nearest the transcript's 3' end. VCF-style (leftmost placement, unchanged base first): chr2-71589639-C-CCTTGAG. GRCh37 (hg19) VCF-style: chr2-71816769-C-CCTTGAG.
Other names: c.3402_3407dup, p.Ser1135_Phe1136insLeuSer (NM_001130455.2, NM_001130983.2); c.3357_3362dup, p.Ser1120_Phe1121insLeuSer (NM_001130976.2, NM_001130977.2); c.3399_3404dup, p.Ser1134_Phe1135insLeuSer (NM_001130978.2, NM_003494.4); c.3492_3497dup, p.Ser1165_Phe1166insLeuSer (NM_001130979.2); c.3450_3455dup, p.Ser1151_Phe1152insLeuSer (NM_001130980.2, NM_001130981.2); c.3495_3500dup, p.Ser1166_Phe1167insLeuSer (NM_001130982.2); c.3360_3365dup, p.Ser1121_Phe1122insLeuSer (NM_001130984.2, NM_001130986.2); c.3453_3458dup, p.Ser1152_Phe1153insLeuSer (NM_001130985.2).
Identifiers: ClinVar variation 5003459 (VCV005003459.1).
Genomic context (GRCh38, chr2:71,589,639, plus strand): 5'-CTTCGTGTCTCCAGGGCGGCGTGATGGATGACAAGAGTGAAGATTCCATGTCCGTCTCCA[C>CCTTGAG]CTTGAGCTTCGGTGTGAACAGACCCACGATTTCCTGCATATTCGACTGTAAGTGAGGCTT-3'